The following is an entry in ClinVar:

ClinVar aggregate classification (germline): Uncertain significance. Review status: criteria provided, multiple submitters, no conflicts (2 of 4 stars). 2 submissions from 2 submitters: Uncertain significance (2). Last evaluated 2020-01-30.

Conditions:
Inborn genetic diseases. Identifiers: MedGen C0950123, MeSH D030342.

Submissions (2):

GeneDx
Classification: Uncertain significance. Last evaluated: 2020-01-30. Review status: criteria provided, single submitter. Criteria: GeneDx Variant Classification Process June 2021. Collection method: clinical testing. Allele origin: germline. Affected: yes.
Comment: Not observed in large population cohorts (Lek et al., 2016); The majority of missense variants in this gene are considered pathogenic (Stenson et al., 2014); In silico analysis, which includes protein predictors and evolutionary conservation, supports a deleterious effect; Has not been previously published as pathogenic or benign to our knowledge

Ambry Genetics
Classification: Uncertain significance for Inborn genetic diseases. Last evaluated: 2017-09-26. Review status: criteria provided, single submitter. Criteria: Ambry Variant Classification Scheme 2023. Collection method: clinical testing. Allele origin: germline.
Comment: The p.A278P variant (also known as c.832G>C) is located in coding exon 6 of the DHCR7 gene. The alanine at codon 278 is replaced by proline, an amino acid with highly similar properties. This change occurs in the first base pair of coding exon 6. This variant has been detected in cis with a pathogenic mutation in DHCR7 by our laboratory. This amino acid position is well conserved in available vertebrate species. In addition, this alteration is predicted to be deleterious by in silico analysis. Since supporting evidence is limited at this time, the clinical significance of this alteration remains unclear.

NM_001360.3(DHCR7):c.832G>C (p.Ala278Pro)

Gene: DHCR7 (7-dehydrocholesterol reductase; minus strand). Cytogenetic location: 11q13.4.
Variant type: single nucleotide variant.
Coding change: c.832G>C on transcript NM_001360.3 (MANE Select); coding-DNA position 832, G replaced by C.
Protein change: p.Ala278Pro; replaces alanine 278 with proline.
Molecular consequence: missense variant.
Genome position (GRCh38, 1-based): chr11:71,437,943, C>G on the plus strand (G>C on the coding strand, the complement: DHCR7 is on the minus strand). VCF-style: chr11-71437943-C-G. GRCh37 (hg19) VCF-style: chr11-71148989-C-G.
Other names: c.832G>C, p.Ala278Pro (NM_001163817.2); short protein forms A278P.
Identifiers: ClinVar variation 1314880 (VCV001314880.4), dbSNP rs2135941944, ClinGen allele CA381703173.
Genomic context (GRCh38, chr11:71,437,943, plus strand): 5'-AGATGTCAATGGTCTTCAGGTACCAGGTTTCGTTCCAGAAGAAGTCAATCACGTAGATGG[C>G]CTGCAAGACAGAAGCAGCCGCTGACCACCCCCGGCCCTCCTGGGGCCCCCATGGACCTCG-3'
Protein context (NP_001351.2, residues 268-288): NAMVLVNVLQ[Ala278Pro]IYVIDFFWNE